The following is an entry in ClinVar:

NM_001330078.2(NRXN1):c.3365-109922G>C

Gene: NRXN1 (neurexin 1; minus strand). Cytogenetic location: 2p16.3.
Variant type: single nucleotide variant.
Coding change: c.3365-109922G>C on transcript NM_001330078.2 (MANE Select); 109922 bases into the intron before coding-DNA position 3365, G replaced by C.
Molecular consequence: intron variant. On other transcripts: missense variant (4).
Genome position (GRCh38, 1-based): chr2:50,346,892, C>G on the plus strand (G>C on the coding strand, the complement: NRXN1 is on the minus strand). VCF-style: chr2-50346892-C-G. GRCh37 (hg19) VCF-style: chr2-50574030-C-G.
Other names: c.58G>C, p.Gly20Arg (NM_001330091.2, NM_001330092.2, NM_001330097.2 and 1 more transcripts); c.3254-109922G>C (NM_001330096.2, NM_001330087.2); c.3299-109922G>C (NM_001330083.2, NM_001330084.2); c.3284-109922G>C (NM_001330088.2); c.3362-109922G>C (NM_001330093.2); c.3353-109922G>C (NM_001330094.2); c.3314-109922G>C (NM_001330095.2); c.3341-109922G>C (NM_001330082.2, NM_001330077.2); and 3 more; short protein forms G20R.
Identifiers: ClinVar variation 489146 (VCV000489146.2), dbSNP rs1188018101, ClinGen allele CA346820637.

ClinVar aggregate classification (germline): Uncertain significance (1 of 4 stars; one submission).

Allele frequency attached by ClinVar (database versions not stated): TOPMed 0.00001; gnomAD 0.00001.
gnomAD v4.1: 22 of 1,310,536 alleles (0.0017%); highest among the groups gnomAD compares: Non-Finnish European, 0.002%; no homozygotes.

Submission:

GeneDx
Classification: Uncertain significance. Last evaluated: 2017-11-21. Review status: criteria provided, single submitter. Criteria: GeneDx Variant Classification (06012015). Collection method: clinical testing. Allele origin: germline. Affected: yes.
Comment: A variant of uncertain significance has been identified in the NRXN1 gene. The G20R variant has not been published as a pathogenic variant, nor has it been reported as a benign variant to our knowledge. The G20R variant is not observed in large population cohorts (Lek et al., 2016). The G20R variant is a non-conservative amino acid substitution, which is likely to impact secondary protein structure as these residues differ in polarity, charge, size and/or other properties. However, in-silico analyses, including protein predictors and evolutionary conservation, support that this variant does not alter protein structure/function. Therefore, based on the currently available information, it is unclear whether this variant is a pathogenic variant or a rare benign variant.